The following is an entry in ClinVar:

ClinVar aggregate classification (germline): Likely benign. Review status: criteria provided, multiple submitters, no conflicts (2 of 4 stars). 2 submissions from 2 submitters: Likely benign (2). Last evaluated 2025-01-25.

Conditions:
Hermansky-Pudlak syndrome 2 (HPS2). Also called: Platelet defects and oculocutaneous albinism. Identifiers: Orphanet 183678, Orphanet 79430, MedGen C1842362, MONDO:0011997, OMIM 608233.

gnomAD v4.1: 1 of 1,613,396 alleles (0.000062%); highest among the groups gnomAD compares: Non-Finnish European, 0.000085%; no homozygotes.

Submissions (2):

Labcorp Genetics (formerly Invitae), Labcorp
Classification: Likely benign for Hermansky-Pudlak syndrome 2. Last evaluated: 2025-01-25. Review status: criteria provided, single submitter. Criteria: Invitae Variant Classification Sherloc (09022015). Collection method: clinical testing. Allele origin: germline.

Mayo Clinic Laboratories, Mayo Clinic
Classification: Likely benign. Last evaluated: 2024-12-30. Review status: criteria provided, single submitter. Criteria: ACMG Guidelines, 2015. Collection method: clinical testing. Allele origin: germline. Observed: 1 variant allele.
Comment: BP4, BP7

NM_003664.5(AP3B1):c.2993-5T>C

Gene: AP3B1 (adaptor related protein complex 3 subunit beta 1; minus strand). Cytogenetic location: 5q14.1.
Variant type: single nucleotide variant.
Coding change: c.2993-5T>C on transcript NM_003664.5 (MANE Select); 5 bases into the intron before coding-DNA position 2993, T replaced by C.
Molecular consequence: intron variant.
Genome position (GRCh38, 1-based): chr5:78,015,553, A>G on the plus strand (T>C on the coding strand, the complement: AP3B1 is on the minus strand). VCF-style: chr5-78015553-A-G. GRCh37 (hg19) VCF-style: chr5-77311377-A-G.
Other names: p.?; c.2846-5T>C (NM_001271769.2); c.2993-5T>C (NM_003664.4).
Identifiers: ClinVar variation 3623422 (VCV003623422.3).